The following is an entry in ClinVar:

ClinVar aggregate classification (germline): Uncertain significance (1 of 4 stars; one submission).

Conditions:
Noonan syndrome 9 (NS9). Identifiers: Orphanet 648, MedGen C4225282, MONDO:0014691, OMIM 616559.

gnomAD v4.1: 5 of 1,612,810 alleles (0.00031%); highest among the groups gnomAD compares: Non-Finnish European, 0.00042%; no homozygotes.

Submission:

Labcorp Genetics (formerly Invitae), Labcorp
Classification: Uncertain significance for Noonan syndrome 9. Last evaluated: 2025-09-23. Review status: criteria provided, single submitter. Criteria: Invitae Variant Classification Sherloc (09022015). Collection method: clinical testing. Allele origin: germline.
Comment: This sequence change replaces glycine, which is neutral and non-polar, with arginine, which is basic and polar, at codon 664 of the SOS2 protein (p.Gly664Arg). This variant is not present in population databases (gnomAD no frequency). This variant has not been reported in the literature in individuals affected with SOS2-related conditions. ClinVar contains an entry for this variant (Variation ID: 3693852). Invitae Evidence Modeling of protein sequence and biophysical properties (such as structural, functional, and spatial information, amino acid conservation, physicochemical variation, residue mobility, and thermodynamic stability) indicates that this missense variant is not expected to disrupt SOS2 protein function with a negative predictive value of 95%. In summary, the available evidence is currently insufficient to determine the role of this variant in disease. Therefore, it has been classified as a Variant of Uncertain Significance.

NM_006939.4(SOS2):c.1990G>C (p.Gly664Arg)

Gene: SOS2 (SOS Ras/Rho guanine nucleotide exchange factor 2; minus strand). Cytogenetic location: 14q21.3.
Variant type: single nucleotide variant.
Coding change: c.1990G>C on transcript NM_006939.4 (MANE Select); coding-DNA position 1990, G replaced by C.
Protein change: p.Gly664Arg; replaces glycine 664 with arginine.
Molecular consequence: missense variant.
Genome position (GRCh38, 1-based): chr14:50,157,066, C>G on the plus strand (G>C on the coding strand, the complement: SOS2 is on the minus strand). VCF-style: chr14-50157066-C-G. GRCh37 (hg19) VCF-style: chr14-50623784-C-G.
Other names: c.1891G>C, p.Gly631Arg (NM_001411020.1); short protein forms G664R, G631R.
Identifiers: ClinVar variation 3693852 (VCV003693852.2).